The following is an entry in ClinVar:

ClinVar aggregate classification (germline): Likely benign (1 of 4 stars; one submission).

gnomAD v4.1: 306 of 1,614,068 alleles (0.019%); highest among the groups gnomAD compares: African/African-American, 0.33%; 1 homozygote.

Submission:

Women's Health and Genetics/Laboratory Corporation of America, LabCorp
Classification: Likely benign. Last evaluated: 2026-04-02. Review status: criteria provided, single submitter. Criteria: LabCorp Variant Classification Summary - May 2015. Collection method: clinical testing. Allele origin: germline.
Comment: Variant summary: LSM11 c.713A>T (p.Glu238Val) results in a non-conservative amino acid change in the encoded protein sequence. Algorithms developed to predict the effect of missense changes on protein structure and function are either unavailable or do not agree on the potential impact of this missense change. The variant allele was found at a frequency of 0.00022 in 250990 control chromosomes, predominantly at a frequency of 0.0026 within the African or African-American subpopulation in the gnomAD database, including 1 homozygote. The observed variant frequency within African or African-American control individuals in the gnomAD database exceeds the estimated maximal expected allele frequency for disease-causing variants in LSM11. To our knowledge, no occurrence of c.713A>T in individuals affected with LSM11-related conditions and no experimental evidence demonstrating its impact on protein function have been reported. No submitters have cited clinical-significance assessments for this variant to ClinVar. Based on the evidence outlined above, the variant was classified as likely benign.

NM_173491.4(LSM11):c.713A>T (p.Glu238Val)

Gene: LSM11 (LSM11, U7 small nuclear RNA associated; plus strand). Cytogenetic location: 5q33.3.
Variant type: single nucleotide variant.
Coding change: c.713A>T on transcript NM_173491.4 (MANE Select); coding-DNA position 713, A replaced by T.
Protein change: p.Glu238Val; replaces glutamic acid 238 with valine.
Molecular consequence: missense variant.
Genome position (GRCh38, 1-based): chr5:157,754,894, A>T. VCF-style: chr5-157754894-A-T. GRCh37 (hg19) VCF-style: chr5-157181902-A-T.
Other names: short protein forms E238V.
Identifiers: ClinVar variation 4848951 (VCV004848951.1).